The following is an entry in ClinVar:

NM_003049.4(SLC10A1):c.277A>G (p.Ile93Val)

Gene: SLC10A1 (solute carrier family 10 member 1; minus strand). Cytogenetic location: 14q24.1.
Variant type: single nucleotide variant.
Coding change: c.277A>G on transcript NM_003049.4 (MANE Select); coding-DNA position 277, A replaced by G.
Protein change: p.Ile93Val; replaces isoleucine 93 with valine.
Molecular consequence: missense variant.
Genome position (GRCh38, 1-based): chr14:69,796,879, T>C on the plus strand (A>G on the coding strand, the complement: SLC10A1 is on the minus strand). VCF-style: chr14-69796879-T-C. GRCh37 (hg19) VCF-style: chr14-70263596-T-C.
Other names: short protein forms I93V.
Identifiers: ClinVar variation 3047359 (VCV003047359.2), dbSNP rs200105842, ClinGen allele CA7246244.

ClinVar aggregate classification (germline): Likely benign (0 of 4 stars; one submission).

Conditions:
SLC10A1-related disorder. Also called: SLC10A1-related condition.

Allele frequency attached by ClinVar (database versions not stated): TOPMed 0.00002; gnomAD 0.00005; ExAC 0.00033; 1000 Genomes Project 0.00040; 1000 Genomes Project 30x 0.00062.
gnomAD v4.1: 237 of 1,614,228 alleles (0.015%); highest among the groups gnomAD compares: South Asian, 0.25%; 3 homozygotes.

Submission:

PreventionGenetics, part of Exact Sciences
Classification: Likely benign for SLC10A1-related condition. Last evaluated: 2022-04-05. Review status: no assertion criteria provided. Collection method: clinical testing. Allele origin: germline.
Comment: This variant is classified as likely benign based on ACMG/AMP sequence variant interpretation guidelines (Richards et al. 2015 PMID: 25741868, with internal and published modifications).